The following is an entry in ClinVar:

NM_032833.5(PPP1R15B):c.77C>T (p.Pro26Leu)

Gene: PPP1R15B (protein phosphatase 1 regulatory subunit 15B; minus strand). Cytogenetic location: 1q32.1.
Variant type: single nucleotide variant.
Coding change: c.77C>T on transcript NM_032833.5 (MANE Select); coding-DNA position 77, C replaced by T.
Protein change: p.Pro26Leu; replaces proline 26 with leucine.
Molecular consequence: missense variant.
Genome position (GRCh38, 1-based): chr1:204,411,335, G>A on the plus strand (C>T on the coding strand, the complement: PPP1R15B is on the minus strand). VCF-style: chr1-204411335-G-A. GRCh37 (hg19) VCF-style: chr1-204380463-G-A.
Other names: short protein forms P26L.
Identifiers: ClinVar variation 4780158 (VCV004780158.1).

ClinVar aggregate classification (germline): Uncertain significance (1 of 4 stars; one submission).

gnomAD v4.1: 6 of 1,614,008 alleles (0.00037%); highest among the groups gnomAD compares: Non-Finnish European, 0.00051%; no homozygotes.

Submission:

Labcorp Genetics (formerly Invitae), Labcorp
Classification: Uncertain significance. Last evaluated: 2025-06-28. Review status: criteria provided, single submitter. Criteria: Invitae Variant Classification Sherloc (09022015). Collection method: clinical testing. Allele origin: germline.
Comment: This sequence change replaces proline, which is neutral and non-polar, with leucine, which is neutral and non-polar, at codon 26 of the PPP1R15B protein (p.Pro26Leu). This variant is present in population databases (no rsID available, gnomAD 0.002%). This variant has not been reported in the literature in individuals affected with PPP1R15B-related conditions. An algorithm developed to predict the effect of missense changes on protein structure and function (PolyPhen-2) suggests that this variant is likely to be tolerated. In summary, the available evidence is currently insufficient to determine the role of this variant in disease. Therefore, it has been classified as a Variant of Uncertain Significance.